The following is an entry in ClinVar:

ClinVar aggregate classification (germline): Benign/Likely benign. Review status: criteria provided, multiple submitters, no conflicts (2 of 4 stars). 3 submissions from 3 submitters: Benign (1); Likely benign (2). Last evaluated 2025-09-10.

Conditions:
Warts, hypogammaglobulinemia, infections, and myelokathexis. Also called: WHIM syndrome. Identifiers: MedGen C0472817, MONDO:0023880.

Allele frequency attached by ClinVar (database versions not stated): gnomAD 0.00001 and 0.00014; TOPMed 0.00003; gnomAD exomes 0.00025 and 0.00045; ExAC 0.00038; 1000 Genomes Project 30x 0.00109; 1000 Genomes Project 0.00120.

Submissions (3):

Labcorp Genetics (formerly Invitae), Labcorp
Classification: Benign for Warts, hypogammaglobulinemia, infections, and myelokathexis. Last evaluated: 2025-09-10. Review status: criteria provided, single submitter. Criteria: Invitae Variant Classification Sherloc (09022015). Collection method: clinical testing. Allele origin: germline.

CeGaT Center for Human Genetics Tuebingen
Classification: Likely benign. Last evaluated: 2025-03-01. Review status: criteria provided, single submitter. Criteria: CeGaT Center For Human Genetics Tuebingen Variant Classification Criteria Version 2. Collection method: clinical testing. Allele origin: germline. Affected: yes. Observed: 2 variant alleles.
Comment: CXCR4: BP4, BP7, BS1

Blueprint Genetics
Classification: Likely benign. Last evaluated: 2024-10-28. Review status: criteria provided, single submitter. Criteria: ACMG Guidelines, 2015. Collection method: clinical testing. Allele origin: germline.

NM_003467.3(CXCR4):c.171A>G (p.Gly57=)

Gene: CXCR4 (C-X-C motif chemokine receptor 4; minus strand). Cytogenetic location: 2q22.1.
Variant type: single nucleotide variant.
Coding change: c.171A>G on transcript NM_003467.3 (MANE Select); coding-DNA position 171, A replaced by G.
Protein change: p.Gly57=; no amino-acid change (glycine 57 retained).
Molecular consequence: synonymous variant.
Genome position (GRCh38, 1-based): chr2:136,115,757, T>C on the plus strand (A>G on the coding strand, the complement: CXCR4 is on the minus strand). VCF-style: chr2-136115757-T-C. GRCh37 (hg19) VCF-style: chr2-136873327-T-C.
Other names: c.183A>G, p.Gly61= (NM_001008540.2); c.384A>G, p.Gly128= (NM_001348056.2); c.270A>G, p.Gly90= (NM_001348059.2); c.126A>G, p.Gly42= (NM_001348060.2).
Identifiers: ClinVar variation 790642 (VCV000790642.29), dbSNP rs533290861, ClinGen allele CA1890150.